The following is an entry in ClinVar:

NM_001142800.2(EYS):c.7034G>A (p.Arg2345His)

Gene: EYS (EGF-like photoreceptor maintenance factor; minus strand). Cytogenetic location: 6q12.
Variant type: single nucleotide variant.
Coding change: c.7034G>A on transcript NM_001142800.2 (MANE Select); coding-DNA position 7034, G replaced by A.
Protein change: p.Arg2345His; replaces arginine 2345 with histidine.
Molecular consequence: missense variant.
Genome position (GRCh38, 1-based): chr6:63,984,404, C>T on the plus strand (G>A on the coding strand, the complement: EYS is on the minus strand). VCF-style: chr6-63984404-C-T. GRCh37 (hg19) VCF-style: chr6-64694297-C-T.
Other names: c.7034G>A, p.Arg2345His (NM_001292009.2); short protein forms R2345H.
Identifiers: ClinVar variation 357695 (VCV000357695.57), dbSNP rs201304559, ClinGen allele CA3876855.

ClinVar aggregate classification (germline): Conflicting classifications of pathogenicity. Review status: criteria provided, conflicting classifications (1 of 4 stars). 8 submissions from 8 submitters: Uncertain significance (5); Likely benign (2). 1 of the submissions does not count toward it. Last evaluated 2025-12-11.

Conditions:
Retinitis pigmentosa 25 (RP25). Identifiers: Orphanet 791, MedGen C1864446, MONDO:0011272, OMIM 602772.
EYS-related disorder. Also called: EYS-related condition.
Inborn genetic diseases. Identifiers: MedGen C0950123, MeSH D030342.
Retinitis pigmentosa (RP). Identifiers: Orphanet 791, MedGen C0035334, MeSH D012174, MONDO:0019200, OMIM 268000. Inheritance: Autosomal dominant, autosomal recessive and X linked inheritance.

Allele frequency attached by ClinVar (database versions not stated): 1000 Genomes Project 30x 0.00016; ExAC 0.00018; 1000 Genomes Project 0.00020; ESP Exome Variant Server 0.00044; gnomAD 0.00049 and 0.00055; TOPMed 0.00065.
gnomAD v4.1: 194 of 1,548,262 alleles (0.013%); highest among the groups gnomAD compares: African/African-American, 0.14%; no homozygotes.

Submissions (8):

PreventionGenetics, part of Exact Sciences
Classification: Uncertain significance for EYS-related condition. Last evaluated: 2025-12-11. Review status: criteria provided, single submitter. Criteria: ACMG Guidelines, 2015. Collection method: clinical testing. Allele origin: germline.
Comment: The EYS c.7034G>A variant is predicted to result in the amino acid substitution p.Arg2345His. To our knowledge, this variant has not been reported in the literature. This variant is reported in 0.14% of alleles in individuals of African descent in gnomAD, which may be too frequent to be a primary cause of disease. Although we suspect that this variant may be benign, at this time, the clinical significance of this variant is uncertain due to the absence of conclusive functional and genetic evidence.

Blueprint Genetics
Classification: Likely benign. Last evaluated: 2024-09-01. Review status: criteria provided, single submitter. Criteria: ACMG Guidelines, 2015. Collection method: clinical testing. Allele origin: germline.

Labcorp Genetics (formerly Invitae), Labcorp
Classification: Uncertain significance. Last evaluated: 2024-01-12. Review status: criteria provided, single submitter. Criteria: Invitae Variant Classification Sherloc (09022015). Collection method: clinical testing. Allele origin: germline.
Comment: This sequence change replaces arginine, which is basic and polar, with histidine, which is basic and polar, at codon 2345 of the EYS protein (p.Arg2345His). This variant is present in population databases (rs201304559, gnomAD 0.1%). This variant has not been reported in the literature in individuals affected with EYS-related conditions. ClinVar contains an entry for this variant (Variation ID: 357695). Algorithms developed to predict the effect of missense changes on protein structure and function output the following: SIFT: "Not Available"; PolyPhen-2: "Benign"; Align-GVGD: "Not Available". The histidine amino acid residue is found in multiple mammalian species, which suggests that this missense change does not adversely affect protein function. In summary, the available evidence is currently insufficient to determine the role of this variant in disease. Therefore, it has been classified as a Variant of Uncertain Significance.

Ambry Genetics
Classification: Likely benign for Inborn genetic diseases. Last evaluated: 2021-07-20. Review status: criteria provided, single submitter. Criteria: Ambry Variant Classification Scheme 2023. Collection method: clinical testing. Allele origin: germline.

Revvity Omics, Revvity
Classification: Uncertain significance for Retinitis pigmentosa 25. Last evaluated: 2020-09-08. Review status: criteria provided, single submitter. Criteria: ACMG Guidelines, 2015. Collection method: clinical testing. Allele origin: germline.

CeGaT Center for Human Genetics Tuebingen
Classification: Uncertain significance. Last evaluated: 2018-02-01. Review status: criteria provided, single submitter. Criteria: CeGaT Center For Human Genetics Tuebingen Variant Classification Criteria Version 2. Collection method: clinical testing. Allele origin: germline. Affected: yes. Observed: 1 variant allele.

Illumina Laboratory Services, Illumina
Classification: Uncertain significance for Retinitis pigmentosa. Last evaluated: 2018-01-13. Review status: criteria provided, single submitter. Criteria: ICSL Variant Classification Criteria 13 December 2019. Collection method: clinical testing. Allele origin: germline.

Natera, Inc.
Classification: Uncertain significance for Retinitis pigmentosa type 25. Last evaluated: 2020-12-14. Review status: no assertion criteria provided. Collection method: clinical testing. Allele origin: germline. Not counted in ClinVar's aggregate classification.